The following is an entry in ClinVar:

ClinVar aggregate classification (germline): Conflicting classifications of pathogenicity. Review status: criteria provided, conflicting classifications (1 of 4 stars). 8 submissions from 8 submitters: Uncertain significance (7); Likely benign (1). Last evaluated 2025-07-31.

Conditions:
Hereditary cancer-predisposing syndrome. Also called: Tumor predisposition; Hereditary Cancer Syndrome; Hereditary neoplastic syndrome; Neoplastic Syndromes, Hereditary. Identifiers: Orphanet 140162, MedGen C0027672, MeSH D009386, MONDO:0015356.
Hereditary breast ovarian cancer syndrome. Also called: Breast and ovarian cancer; Hereditary breast and ovarian cancer syndrome; Hereditary breast and ovarian cancer; BRCA1- and BRCA2-Associated Hereditary Breast and Ovarian Cancer; Hereditary breast and ovarian cancer syndrome (HBOC); Hereditary breast and/or ovarian cancer syndrome. Identifiers: Orphanet 145, MedGen C0677776, MeSH D061325, MONDO:0003582. Disease mechanism: loss of function.
Breast-ovarian cancer, familial, susceptibility to, 2 (BROVCA2). Also called: BRCA2 Hereditary Breast and Ovarian Cancer. Identifiers: Orphanet 145, MedGen C2675520, MONDO:0012933, OMIM 612555. Disease mechanism: loss of function.
Familial cancer of breast. Also called: BREAST CANCER, FAMILIAL; hereditary breast carcinoma; Hereditary breast cancer. Identifiers: Orphanet 227535, MedGen C0346153, MONDO:0016419, OMIM 114480. Disease mechanism: loss of function.

Allele frequency attached by ClinVar (database versions not stated): gnomAD exomes below 0.00001; ExAC 0.00001; TOPMed 0.00001; ESP Exome Variant Server 0.00008.
gnomAD v4.1: 3 of 1,613,636 alleles (0.00019%); highest among the groups gnomAD compares: African/African-American, 0.004%; no homozygotes.

Submissions (8):

Labcorp Genetics (formerly Invitae), Labcorp
Classification: Uncertain significance for Hereditary breast ovarian cancer syndrome. Last evaluated: 2025-07-31. Review status: criteria provided, single submitter. Criteria: Invitae Variant Classification Sherloc (09022015). Collection method: clinical testing. Allele origin: germline.
Comment: This sequence change replaces alanine, which is neutral and non-polar, with aspartic acid, which is acidic and polar, at codon 2942 of the BRCA2 protein (p.Ala2942Asp). This variant is present in population databases (rs373227180, gnomAD 0.007%). This variant has not been reported in the literature in individuals affected with BRCA2-related conditions. ClinVar contains an entry for this variant (Variation ID: 182256). Invitae Evidence Modeling of protein sequence and biophysical properties (such as structural, functional, and spatial information, amino acid conservation, physicochemical variation, residue mobility, and thermodynamic stability) indicates that this missense variant is not expected to disrupt BRCA2 protein function with a negative predictive value of 95%. In summary, the available evidence is currently insufficient to determine the role of this variant in disease. Therefore, it has been classified as a Variant of Uncertain Significance.

Hereditary Cancer Laboratory, Hospital Universitario 12 de Octubre
Classification: Uncertain significance for Hereditary cancer-predisposing syndrome. Last evaluated: 2025-02-10. Review status: criteria provided, single submitter. Criteria: ACMG Guidelines, 2015. Collection method: clinical testing. Allele origin: germline.
Comment: PM2

Quest Diagnostics Nichols Institute San Juan Capistrano
Classification: Uncertain significance. Last evaluated: 2024-07-10. Review status: criteria provided, single submitter. Criteria: Quest Diagnostics criteria. Collection method: clinical testing. Allele origin: unknown.
Comment: The BRCA2 c.8825C>A (p.Ala2942Asp) variant has not been reported in individuals with BRCA2-related conditions in the published literature. The frequency of this variant in the general population, 0.000004 (1/250828 chromosomes (Genome Aggregation Database)), is uninformative in the assessment of its pathogenicity. Analysis of this variant using bioinformatics tools for the prediction of the effect of amino acid changes on protein structure and function yielded conflicting predictions that this variant is benign or damaging. Based on the available information, we are unable to determine the clinical significance of this variant.

Women's Health and Genetics/Laboratory Corporation of America, LabCorp
Classification: Uncertain significance. Last evaluated: 2024-03-20. Review status: criteria provided, single submitter. Criteria: LabCorp Variant Classification Summary - May 2015. Collection method: clinical testing. Allele origin: germline.

Baylor Genetics
Classification: Uncertain significance for Familial cancer of breast. Last evaluated: 2024-02-23. Review status: criteria provided, single submitter. Criteria: ACMG Guidelines, 2015. Collection method: clinical testing. Allele origin: unknown.

All of Us Research Program, National Institutes of Health
Classification: Uncertain significance for Breast-ovarian cancer, familial, susceptibility to, 2. Last evaluated: 2023-07-19. Review status: criteria provided, single submitter. Criteria: ACMG Guidelines, 2015. Collection method: clinical testing. Allele origin: germline. Inheritance: Autosomal dominant inheritance. Observed: 2 variant alleles, 2 heterozygotes.
Comment: This missense variant replaces alanine with aspartic acid at codon 2942 of the BRCA2 protein. Computational prediction suggests that this variant may not impact protein structure and function (internally defined REVEL score threshold <= 0.5, PMID: 27666373). To our knowledge, functional studies have not been reported for this variant. This variant has not been reported in individuals affected with BRCA2-related disorders in the literature. This variant has been identified in 1/250828 chromosomes in the general population by the Genome Aggregation Database (gnomAD). The available evidence is insufficient to determine the role of this variant in disease conclusively. Therefore, this variant is classified as a Variant of Uncertain Significance.

This study involves interpretation of variants in research participants for the purpose of population health screening. Participant phenotype was not available at the time of variant classification. Additional details can be found in publication PMID: 35346344, PMCID: PMC8962531

Ambry Genetics
Classification: Likely benign for Hereditary cancer-predisposing syndrome. Last evaluated: 2021-04-30. Review status: criteria provided, single submitter. Criteria: Ambry Variant Classification Scheme 2023. Collection method: clinical testing. Allele origin: germline.

GeneDx
Classification: Uncertain significance. Last evaluated: 2018-02-20. Review status: criteria provided, single submitter. Criteria: GeneDx Variant Classification (06012015). Collection method: clinical testing. Allele origin: germline. Affected: yes.
Comment: This variant is denoted BRCA2 c.8825C>A at the cDNA level, p.Ala2942Asp (A2942D) at the protein level, and results in the change of an Alanine to an Aspartic Acid (GCT>GAT). Using alternate nomenclature, this variant would be defined as BRCA2 9053C>A. This variant has not, to our knowledge, been published in the literature as pathogenic or benign. BRCA2 Ala2942Asp was not observed at a significant allele frequency in large population cohorts (Lek 2016). This variant is located in the DNA binding domain (Yang 2002). In silico analysis, which includes protein predictors and evolutionary conservation, supports that this variant does not alter protein structure/function. Based on currently available evidence, it is unclear whether BRCA2 Ala2942Asp is a pathogenic or benign variant. We consider it to be a variant of uncertain significance.

NM_000059.4(BRCA2):c.8825C>A (p.Ala2942Asp)

Gene: BRCA2 (BRCA2 DNA repair associated; plus strand). Cytogenetic location: 13q13.1.
Variant type: single nucleotide variant.
Coding change: c.8825C>A on transcript NM_000059.4 (MANE Select); coding-DNA position 8825, C replaced by A.
Protein change: p.Ala2942Asp; replaces alanine 2942 with aspartic acid.
Molecular consequence: missense variant.
Genome position (GRCh38, 1-based): chr13:32,379,387, C>A. VCF-style: chr13-32379387-C-A. GRCh37 (hg19) VCF-style: chr13-32953524-C-A.
Other names: p.A2942D:GCT>GAT; short protein forms A2942D.
Identifiers: ClinVar variation 182256 (VCV000182256.25), dbSNP rs373227180, ClinGen allele CA025839.